The following is an entry in ClinVar:

NM_000245.4(MET):c.2941G>A (p.Asp981Asn)

Gene: MET (MET proto-oncogene, receptor tyrosine kinase; plus strand). Cytogenetic location: 7q31.2.
Variant type: single nucleotide variant.
Coding change: c.2941G>A on transcript NM_000245.4 (MANE Select); coding-DNA position 2941, G replaced by A.
Protein change: p.Asp981Asn; replaces aspartic acid 981 with asparagine.
Molecular consequence: missense variant.
Genome position (GRCh38, 1-based): chr7:116,771,902, G>A. VCF-style: chr7-116771902-G-A. GRCh37 (hg19) VCF-style: chr7-116411956-G-A.
Other names: c.2995G>A, p.Asp999Asn (NM_001127500.3); c.1651G>A, p.Asp551Asn (NM_001324402.2); c.2995G>A (NM_001127500.1); short protein forms D551N, D981N, D999N.
Identifiers: ClinVar variation 1495620 (VCV001495620.7), dbSNP rs1794847447, ClinGen allele CA368987129.

ClinVar aggregate classification (germline): Uncertain significance. Review status: criteria provided, multiple submitters, no conflicts (2 of 4 stars). 2 submissions from 2 submitters: Uncertain significance (2). Last evaluated 2023-07-25.

Conditions:
Renal cell carcinoma. Identifiers: Orphanet 217071, MedGen C0007134, MeSH D002292, MONDO:0005086, HP:0005584.
Hereditary cancer-predisposing syndrome. Also called: Tumor predisposition; Hereditary neoplastic syndrome; Neoplastic Syndromes, Hereditary; Hereditary Cancer Syndrome. Identifiers: Orphanet 140162, MedGen C0027672, MeSH D009386, MONDO:0015356.

Submissions (2):

Ambry Genetics
Classification: Uncertain significance for Hereditary cancer-predisposing syndrome. Last evaluated: 2023-07-25. Review status: criteria provided, single submitter. Criteria: Ambry Variant Classification Scheme 2023. Collection method: clinical testing. Allele origin: germline.
Comment: The p.D999N variant (also known as c.2995G>A), located in coding exon 13 of the MET gene, results from a G to A substitution at nucleotide position 2995. The aspartic acid at codon 999 is replaced by asparagine, an amino acid with highly similar properties. This amino acid position is conserved. In addition, this alteration is predicted to be tolerated by in silico analysis. Since supporting evidence is limited at this time, the clinical significance of this alteration remains unclear.

Labcorp Genetics (formerly Invitae), Labcorp
Classification: Uncertain significance for Renal cell carcinoma. Last evaluated: 2021-08-04. Review status: criteria provided, single submitter. Criteria: Invitae Variant Classification Sherloc (09022015). Collection method: clinical testing. Allele origin: germline.
Comment: In summary, the available evidence is currently insufficient to determine the role of this variant in disease. Therefore, it has been classified as a Variant of Uncertain Significance. Algorithms developed to predict the effect of missense changes on protein structure and function are either unavailable or do not agree on the potential impact of this missense change (SIFT: "Deleterious"; PolyPhen-2: "Probably Damaging"; Align-GVGD: "Class C0"). This variant has not been reported in the literature in individuals affected with MET-related conditions. This variant is not present in population databases (ExAC no frequency). This sequence change replaces aspartic acid with asparagine at codon 999 of the MET protein (p.Asp999Asn). The aspartic acid residue is highly conserved and there is a small physicochemical difference between aspartic acid and asparagine.